The following is an entry in ClinVar:

NM_147127.5(EVC2):c.3570C>G (p.Ser1190Arg)

Gene: EVC2 (EvC ciliary complex subunit 2; minus strand). Cytogenetic location: 4p16.2.
Variant type: single nucleotide variant.
Coding change: c.3570C>G on transcript NM_147127.5 (MANE Select); coding-DNA position 3570, C replaced by G.
Protein change: p.Ser1190Arg; replaces serine 1190 with arginine.
Molecular consequence: missense variant.
Genome position (GRCh38, 1-based): chr4:5,565,347, G>C on the plus strand (C>G on the coding strand, the complement: EVC2 is on the minus strand). VCF-style: chr4-5565347-G-C. GRCh37 (hg19) VCF-style: chr4-5567074-G-C.
Other names: c.3330C>G, p.Ser1110Arg (NM_001166136.2); short protein forms S1110R, S1190R.
Identifiers: ClinVar variation 995661 (VCV000995661.8), dbSNP rs763892029, ClinGen allele CA91688714.
Genomic context (GRCh38, chr4:5,565,347, plus strand): 5'-CTTTTCTAATCCTCTGCTTATCAGATCTCCTCGCAGTTTGCCATCTAAGGCTTGCCACCA[G>C]CTCTGGTGTTTCCTGCAGGCAAGAAGGGAGTCTTATAGTTTCAAAAATACGCCTGTAATC-3'
Protein context (NP_667338.3, residues 1180-1200): ADVGRRRKHQ[Ser1190Arg]WWQALDGKLR

ClinVar aggregate classification (germline): Uncertain significance (1 of 4 stars; one submission).

Allele frequency attached by ClinVar (database versions not stated): gnomAD exomes 0.00001; gnomAD 0.00001; TOPMed 0.00003.
gnomAD v4.1: 8 of 1,613,934 alleles (0.0005%); highest among the groups gnomAD compares: African/African-American, 0.011%; no homozygotes.

Submission:

ARUP Laboratories, Molecular Genetics and Genomics, ARUP Laboratories
Classification: Uncertain significance. Last evaluated: 2019-10-31. Review status: criteria provided, single submitter. Criteria: ARUP Molecular Germline Variant Investigation Process. Collection method: clinical testing. Allele origin: germline.
Comment: The EVC2 c.3570C>G; p.Ser1190Arg variant (rs763892029), to our knowledge, is not reported in the medical literature or gene specific databases. This variant is only observed on two alleles in the Genome Aggregation Database, indicating it is not a common polymorphism. The serine at codon 1190 is weakly conserved, and computational analyses (SIFT, PolyPhen-2) predict that this variant is tolerated. Due to limited information, the clinical significance of the p.Ser1190Arg variant is uncertain at this time.